The following is an entry in ClinVar:

NM_001278512.2(AP3B2):c.3151T>C (p.Tyr1051His)

Genes: CPEB1-AS1 (CPEB1 antisense RNA 1; plus strand), AP3B2 (adaptor related protein complex 3 subunit beta 2; minus strand). Cytogenetic location: 15q25.2.
Variant type: single nucleotide variant.
Coding change: c.3151T>C on transcript NM_001278512.2 (MANE Select); coding-DNA position 3151, T replaced by C.
Protein change: p.Tyr1051His; replaces tyrosine 1051 with histidine.
Molecular consequence: missense variant.
Genome position (GRCh38, 1-based): chr15:82,659,849, A>G on the plus strand (T>C on the coding strand, the complement: AP3B2 is on the minus strand). VCF-style: chr15-82659849-A-G. GRCh37 (hg19) VCF-style: chr15-83328601-A-G.
Other names: c.2998T>C, p.Tyr1000His (NM_001278511.2); c.283T>C, p.Tyr95His (NM_001348441.2); c.3094T>C, p.Tyr1032His (NM_004644.5); short protein forms Y1032H, Y1000H, Y1051H, Y95H.
Identifiers: ClinVar variation 2105874 (VCV002105874.4), dbSNP rs2548692054, ClinGen allele CA393305607.

ClinVar aggregate classification (germline): Uncertain significance (1 of 4 stars; one submission).

Submission:

Labcorp Genetics (formerly Invitae), Labcorp
Classification: Uncertain significance. Last evaluated: 2022-03-04. Review status: criteria provided, single submitter. Criteria: Invitae Variant Classification Sherloc (09022015). Collection method: clinical testing. Allele origin: germline.
Comment: This variant is not present in population databases (gnomAD no frequency). This sequence change replaces tyrosine, which is neutral and polar, with histidine, which is basic and polar, at codon 1032 of the AP3B2 protein (p.Tyr1032His). This variant has not been reported in the literature in individuals affected with AP3B2-related conditions. Algorithms developed to predict the effect of missense changes on protein structure and function (SIFT, PolyPhen-2, Align-GVGD) all suggest that this variant is likely to be tolerated. In summary, the available evidence is currently insufficient to determine the role of this variant in disease. Therefore, it has been classified as a Variant of Uncertain Significance.